The following is an entry in ClinVar:

ClinVar aggregate classification (germline): Uncertain significance (1 of 4 stars; one submission).

Allele frequency attached by ClinVar (database versions not stated): TOPMed below 0.00001.
gnomAD v4.1: 1 of 1,613,854 alleles (0.000062%); highest among the groups gnomAD compares: Admixed American, 0.0017%; no homozygotes.

Submission:

Labcorp Genetics (formerly Invitae), Labcorp
Classification: Uncertain significance. Last evaluated: 2022-08-21. Review status: criteria provided, single submitter. Criteria: Invitae Variant Classification Sherloc (09022015). Collection method: clinical testing. Allele origin: germline.
Comment: In summary, the available evidence is currently insufficient to determine the role of this variant in disease. Therefore, it has been classified as a Variant of Uncertain Significance. Algorithms developed to predict the effect of missense changes on protein structure and function are either unavailable or do not agree on the potential impact of this missense change (SIFT: "Tolerated"; PolyPhen-2: "Not Available"; Align-GVGD: "Class C0"). ClinVar contains an entry for this variant (Variation ID: 1488837). This variant has not been reported in the literature in individuals affected with PCLO-related conditions. This variant is not present in population databases (gnomAD no frequency). This sequence change replaces alanine, which is neutral and non-polar, with glycine, which is neutral and non-polar, at codon 1002 of the PCLO protein (p.Ala1002Gly).

NM_033026.6(PCLO):c.3005C>G (p.Ala1002Gly)

Gene: PCLO (piccolo presynaptic cytomatrix protein; minus strand). Cytogenetic location: 7q21.11.
Variant type: single nucleotide variant.
Coding change: c.3005C>G on transcript NM_033026.6 (MANE Select); coding-DNA position 3005, C replaced by G.
Protein change: p.Ala1002Gly; replaces alanine 1002 with glycine.
Molecular consequence: missense variant.
Genome position (GRCh38, 1-based): chr7:83,134,545, G>C on the plus strand (C>G on the coding strand, the complement: PCLO is on the minus strand). VCF-style: chr7-83134545-G-C. GRCh37 (hg19) VCF-style: chr7-82763861-G-C.
Other names: c.3005C>G, p.Ala1002Gly (NM_014510.3); short protein forms A1002G.
Identifiers: ClinVar variation 1488837 (VCV001488837.6), dbSNP rs764813086, ClinGen allele CA367897994.
Genomic context (GRCh38, chr7:83,134,545, plus strand): 5'-TCTGTTCTTTTTACTGTTGGAGCTTGTTCAGCTTTGGGCTCTAATTTTTCAGCTGCTGGG[G>C]CTTTTGTTTCCTTTTTCACAGGTATACTTTTTGCAGGTGCTGGTGGTGCTTGACCTGTGG-3'
Protein context (NP_149015.2, residues 992-1012): KSIPVKKETK[Ala1002Gly]PAAEKLEPKA